The following is an entry in ClinVar:

ClinVar aggregate classification (germline): Uncertain significance (1 of 4 stars; one submission).

Conditions:
Proteosome-associated autoinflammatory syndrome. Also called: Proteasome-associated autoinflammatory syndrome. Identifiers: Orphanet 324977, MedGen C1850568, MONDO:0009726.

Allele frequency attached by ClinVar (database versions not stated): ExAC 0.00001; gnomAD 0.00001; gnomAD exomes 0.00001; TOPMed 0.00001; ESP Exome Variant Server 0.00012.
gnomAD v4.1: 11 of 1,612,896 alleles (0.00068%); highest among the groups gnomAD compares: Middle Eastern, 0.016%; no homozygotes.

Submission:

Labcorp Genetics (formerly Invitae), Labcorp
Classification: Uncertain significance for Proteosome-associated autoinflammatory syndrome. Last evaluated: 2023-09-29. Review status: criteria provided, single submitter. Criteria: Invitae Variant Classification Sherloc (09022015). Collection method: clinical testing. Allele origin: germline.
Comment: This sequence change replaces arginine, which is basic and polar, with cysteine, which is neutral and slightly polar, at codon 229 of the PSMB8 protein (p.Arg229Cys). This variant is present in population databases (rs367754826, gnomAD 0.0009%). This variant has not been reported in the literature in individuals affected with PSMB8-related conditions. Advanced modeling of protein sequence and biophysical properties (such as structural, functional, and spatial information, amino acid conservation, physicochemical variation, residue mobility, and thermodynamic stability) performed at Invitae indicates that this missense variant is not expected to disrupt PSMB8 protein function. In summary, the available evidence is currently insufficient to determine the role of this variant in disease. Therefore, it has been classified as a Variant of Uncertain Significance.

NM_148919.4(PSMB8):c.685C>T (p.Arg229Cys)

Gene: PSMB8 (proteasome 20S subunit beta 8; minus strand). Cytogenetic location: 6p21.32.
Variant type: single nucleotide variant.
Coding change: c.685C>T on transcript NM_148919.4 (MANE Select); coding-DNA position 685, C replaced by T.
Protein change: p.Arg229Cys; replaces arginine 229 with cysteine.
Molecular consequence: missense variant.
Genome position (GRCh38, 1-based): chr6:32,841,588, G>A on the plus strand (C>T on the coding strand, the complement: PSMB8 is on the minus strand). VCF-style: chr6-32841588-G-A. GRCh37 (hg19) VCF-style: chr6-32809365-G-A.
Other names: c.673C>T, p.Arg225Cys (NM_004159.5); short protein forms R225C, R229C.
Identifiers: ClinVar variation 2857238 (VCV002857238.3), dbSNP rs367754826, ClinGen allele CA3746315.